The following is an entry in ClinVar:

NM_003265.3(TLR3):c.1891G>A (p.Gly631Arg)

Gene: TLR3 (toll like receptor 3; plus strand). Cytogenetic location: 4q35.1.
Variant type: single nucleotide variant.
Coding change: c.1891G>A on transcript NM_003265.3 (MANE Select); coding-DNA position 1891, G replaced by A.
Protein change: p.Gly631Arg; replaces glycine 631 with arginine.
Molecular consequence: missense variant.
Genome position (GRCh38, 1-based): chr4:186,083,577, G>A. VCF-style: chr4-186083577-G-A. GRCh37 (hg19) VCF-style: chr4-187004731-G-A.
Other names: c.1891G>A (NM_003265.2); short protein forms G631R.
Identifiers: ClinVar variation 1005411 (VCV001005411.8), dbSNP rs1476300453, ClinGen allele CA358934474.

ClinVar aggregate classification (germline): Uncertain significance. Review status: criteria provided, multiple submitters, no conflicts (2 of 4 stars). 2 submissions from 2 submitters: Uncertain significance (2). Last evaluated 2024-12-06.

Conditions:
Encephalopathy, acute, infection-induced (herpes-specific), susceptibility to, 1. Also called: Herpes simplex encephalitis, susceptibility to, 1. Identifiers: Orphanet 1930, MedGen C2750180, MONDO:0024563, OMIM 610551.

Allele frequency attached by ClinVar (database versions not stated): TOPMed below 0.00001; gnomAD exomes 0.00001.
gnomAD v4.1: 21 of 1,612,804 alleles (0.0013%); highest among the groups gnomAD compares: Middle Eastern, 0.017%; no homozygotes.

Submissions (2):

Labcorp Genetics (formerly Invitae), Labcorp
Classification: Uncertain significance for Encephalopathy, acute, infection-induced (herpes-specific), susceptibility to, 1. Last evaluated: 2024-12-06. Review status: criteria provided, single submitter. Criteria: Invitae Variant Classification Sherloc (09022015). Collection method: clinical testing. Allele origin: germline.
Comment: This sequence change replaces glycine, which is neutral and non-polar, with arginine, which is basic and polar, at codon 631 of the TLR3 protein (p.Gly631Arg). This variant is present in population databases (no rsID available, gnomAD 0.03%). This variant has not been reported in the literature in individuals affected with TLR3-related conditions. ClinVar contains an entry for this variant (Variation ID: 1005411). An algorithm developed to predict the effect of missense changes on protein structure and function (PolyPhen-2) suggests that this variant is likely to be disruptive. In summary, the available evidence is currently insufficient to determine the role of this variant in disease. Therefore, it has been classified as a Variant of Uncertain Significance.

Ambry Genetics
Classification: Uncertain significance. Last evaluated: 2021-08-02. Review status: criteria provided, single submitter. Criteria: Ambry Variant Classification Scheme 2023. Collection method: clinical testing. Allele origin: germline.